The following is an entry in ClinVar:

ClinVar aggregate classification (germline): Likely benign (1 of 4 stars; one submission).

Conditions:
F7-related disorder. Also called: F7-related condition.

gnomAD v4.1: 91 of 1,611,650 alleles (0.0056%); highest among the groups gnomAD compares: East Asian, 0.14%; no homozygotes.

Submission:

PreventionGenetics, part of Exact Sciences
Classification: Likely benign for F7-related condition. Last evaluated: 2025-03-24. Review status: criteria provided, single submitter. Criteria: ACMG Guidelines, 2015. Collection method: clinical testing. Allele origin: germline.
Comment: This variant is classified as likely benign based on ACMG/AMP sequence variant interpretation guidelines (Richards et al. 2015 PMID: 25741868, with internal and published modifications).

NM_019616.4(F7):c.846G>A (p.Ala282=)

Gene: F7 (coagulation factor VII; plus strand). Cytogenetic location: 13q34.
Variant type: single nucleotide variant.
Coding change: c.846G>A on transcript NM_019616.4 (MANE Select); coding-DNA position 846, G replaced by A.
Protein change: p.Ala282=; no amino-acid change (alanine 282 retained).
Molecular consequence: synonymous variant. On other transcripts: non-coding transcript variant (1).
Genome position (GRCh38, 1-based): chr13:113,118,519, G>A. VCF-style: chr13-113118519-G-A. GRCh37 (hg19) VCF-style: chr13-113772833-G-A.
Other names: c.912G>A, p.Ala304= (NM_000131.5); c.660G>A, p.Ala220= (NM_001267554.2).
Identifiers: ClinVar variation 4977183 (VCV004977183.1).